The following is an entry in ClinVar:

NM_020975.6(RET):c.706A>T (p.Lys236Ter)

Gene: RET (ret proto-oncogene; plus strand). Cytogenetic location: 10q11.21.
Variant type: single nucleotide variant.
Coding change: c.706A>T on transcript NM_020975.6 (MANE Select); coding-DNA position 706, A replaced by T.
Protein change: p.Lys236Ter; replaces lysine 236 with a stop codon.
Molecular consequence: nonsense. On other transcripts: 5 prime UTR variant (1), intron variant (22).
Genome position (GRCh38, 1-based): chr10:43,105,032, A>T. VCF-style: chr10-43105032-A-T. GRCh37 (hg19) VCF-style: chr10-43600480-A-T.
Other names: c.-57A>T (NM_001355216.2); c.706A>T, p.Lys236Ter (NM_001406743.1, NM_001406744.1, NM_001406759.1 and 6 more transcripts); c.577A>T, p.Lys193Ter (NM_001406761.1, NM_001406762.1, NM_001406764.1 and 2 more transcripts); c.418A>T, p.Lys140Ter (NM_001406766.1, NM_001406767.1, NM_001406770.1); c.625+2403A>T (NM_001406780.1, NM_001406779.1, NM_001406781.1 and 5 more transcripts); c.496+2403A>T (NM_001406786.1, NM_001406783.1); c.338-3999A>T (NM_001406778.1, NM_001406775.1, NM_001406776.1 and 1 more transcripts); c.337+4310A>T (NM_001406790.1, NM_001406788.1, NM_001406789.1 and 1 more transcripts); and 2 more; short protein forms K140*, K193*, K236*.
Identifiers: ClinVar variation 3344646 (VCV003344646.2).
Genomic context (GRCh38, chr10:43,105,032, plus strand): 5'-TGCGCCCCGGACAGCCTGGAGGTGAGCACGCGCTGGGCCCTGGACCGCGAGCAGCGGGAG[A>T]AGTACGAGCTGGTGGCCGTGTGCACCGTGCACGCCGGCGCGCGCGAGGAGGTGGTGATGG-3'

ClinVar aggregate classification (germline): Likely pathogenic. Review status: criteria provided, single submitter (1 of 4 stars). 2 submissions from 2 submitters: Likely pathogenic (1). 1 of the submissions does not count toward it. Last evaluated 2025-05-05.

Conditions:
RET-related disorder. Also called: RET-related disorders; RET-related condition; RET-related disease.

Submissions (2):

Quest Diagnostics Nichols Institute San Juan Capistrano
Classification: Likely pathogenic. Last evaluated: 2025-05-05. Review status: criteria provided, single submitter. Criteria: Quest Diagnostics criteria. Collection method: clinical testing. Allele origin: unknown.
Comment: The RET c.706A>T (p.Lys236*) variant is predicted to cause the premature termination of RET protein synthesis. This variant has not been reported in individuals with RET-related conditions in the published literature. This variant has not been reported in large, multi-ethnic general populations (Genome Aggregation Database). Based on the available information, this variant is classified as likely pathogenic.

PreventionGenetics, part of Exact Sciences
Classification: Likely pathogenic for RET-related condition. Last evaluated: 2024-07-18. Review status: no assertion criteria provided. Collection method: clinical testing. Allele origin: germline. Not counted in ClinVar's aggregate classification.
Comment: The RET c.706A>T variant is predicted to result in premature protein termination (p.Lys236*). To our knowledge, this variant has not been reported in the literature or in a large population database, indicating this variant is rare. Nonsense variants in RET are expected to be pathogenic. This variant is interpreted as likely pathogenic.